The following is an entry in ClinVar:

ClinVar aggregate classification (germline): Uncertain significance (1 of 4 stars; one submission).

gnomAD v4.1: 3 of 1,611,708 alleles (0.00019%); highest among the groups gnomAD compares: Non-Finnish European, 0.000085%; no homozygotes.

Submission:

Labcorp Genetics (formerly Invitae), Labcorp
Classification: Uncertain significance. Last evaluated: 2024-09-09. Review status: criteria provided, single submitter. Criteria: Invitae Variant Classification Sherloc (09022015). Collection method: clinical testing. Allele origin: germline.
Comment: This sequence change replaces isoleucine, which is neutral and non-polar, with valine, which is neutral and non-polar, at codon 1489 of the CPLANE1 protein (p.Ile1489Val). This variant is not present in population databases (gnomAD no frequency). This variant has not been reported in the literature in individuals affected with CPLANE1-related conditions. Invitae Evidence Modeling of protein sequence and biophysical properties (such as structural, functional, and spatial information, amino acid conservation, physicochemical variation, residue mobility, and thermodynamic stability) indicates that this missense variant is not expected to disrupt CPLANE1 protein function with a negative predictive value of 95%. Algorithms developed to predict the effect of sequence changes on RNA splicing suggest that this variant may disrupt the consensus splice site. In summary, the available evidence is currently insufficient to determine the role of this variant in disease. Therefore, it has been classified as a Variant of Uncertain Significance.

NM_001384732.1(CPLANE1):c.4465A>G (p.Ile1489Val)

Genes: CPLANE1 (ciliogenesis and planar polarity effector complex subunit 1; minus strand), LOC129389274 (MPRA-validated peak5227 silencer; plus strand). Cytogenetic location: 5p13.2.
Variant type: single nucleotide variant.
Coding change: c.4465A>G on transcript NM_001384732.1 (MANE Select); coding-DNA position 4465, A replaced by G.
Protein change: p.Ile1489Val; replaces isoleucine 1489 with valine.
Molecular consequence: missense variant.
Genome position (GRCh38, 1-based): chr5:37,184,804, T>C on the plus strand (A>G on the coding strand, the complement: CPLANE1 is on the minus strand). VCF-style: chr5-37184804-T-C. GRCh37 (hg19) VCF-style: chr5-37184906-T-C.
Other names: c.4465A>G, p.Ile1489Val (NM_023073.4); short protein forms I1489V.
Identifiers: ClinVar variation 3698283 (VCV003698283.2).